The following is an entry in ClinVar:

NM_001844.5(COL2A1):c.2382del (p.Gly795fs)

Gene: COL2A1 (collagen type II alpha 1 chain; minus strand). Cytogenetic location: 12q13.11.
Variant type: Deletion.
Coding change: c.2382del on transcript NM_001844.5 (MANE Select); coding-DNA position 2382, one base deleted (T; older notation c.2382delT).
Protein change: p.Gly795fs; shifts the reading frame from glycine 795.
Molecular consequence: frameshift variant.
Genome position (GRCh38, 1-based): chr12:47,981,803, A deleted on the plus strand (T on the coding strand, the reverse complement: COL2A1 is on the minus strand). VCF-style (leftmost placement, unchanged base first): chr12-47981802-CA-C. GRCh37 (hg19) VCF-style: chr12-48375585-CA-C.
Other names: c.2175del, p.Gly726fs (NM_033150.3); c.2382delT (NM_001844.4); short protein forms G795fs, G726fs.
Identifiers: ClinVar variation 289322 (VCV000289322.14), dbSNP rs886044151, ClinGen allele CA10606411.
Genomic context (GRCh38, chr12:47,981,802, plus strand): 5'-GCAAGGTGTGGAGAGGAAAGGAGCCGGGACTCACCTTCTCGCCATTAGCACCAGCTGGGC[CA>C]GGGGGGCCAATGGGACCTGTCAGGCCCTGCGGGGAGAGCAGGTAGAGGTGAGGGAGGCAG-3'

ClinVar aggregate classification (germline): Pathogenic. Review status: criteria provided, multiple submitters, no conflicts (2 of 4 stars). 5 submissions from 5 submitters: Pathogenic (5). Last evaluated 2026-08-06.

Conditions:
COL2A1-related disorder. Also called: COL2A1-related condition; COL2A1-related disorders.
Stickler syndrome, type I, nonsyndromic ocular. Also called: STICKLER SYNDROME, ATYPICAL; STICKLER SYNDROME, TYPE I, PREDOMINANTLY OCULAR. Identifiers: MedGen C1836080, MONDO:0012287, OMIM 609508.

Submissions (5):

OLLIN Analises Genomicas, OLLIN
Classification: Pathogenic for Stickler syndrome, type I, nonsyndromic ocular. Last evaluated: 2026-08-06. Review status: criteria provided, single submitter. Criteria: ACMG Guidelines 2015 PMID 25741868. Collection method: clinical testing. Allele origin: germline. Inheritance: Autosomal dominant inheritance.
Comment: This frameshift variant, located in exon 36 (of 54), is absent from gnomAD but has been reported in ClinVar (accession VCV000289322.13) and in the scientific literature in individuals with COL2A1 related disorders (PMID: 20179744). This variant causes a frameshift and introduces a premature stop codon, which is predicted to result in either a truncated protein or degradation of the mRNA via nonsense-mediated decay (NMD). According to the currently available evidence, this variant has been classified as pathogenic (PVS1, PS4_P, PM2_P).

PreventionGenetics, part of Exact Sciences
Classification: Pathogenic for COL2A1-related condition. Last evaluated: 2026-03-04. Review status: criteria provided, single submitter. Criteria: ACMG Guidelines, 2015. Collection method: clinical testing. Allele origin: germline.
Comment: The COL2A1 c.2382delT variant is predicted to result in a frameshift and premature protein termination (p.Gly795Alafs*86). This variant has previously been reported to be causative for Stickler syndrome (Hoornaert et al 2010. PubMed ID: 20179744; Čopíková J et al 2020. PubMed ID: 32427345). This variant has not been reported in a large population database, indicating this variant is rare. Frameshift variants in COL2A1 are expected to be pathogenic. This variant is interpreted as pathogenic.

Labcorp Genetics (formerly Invitae), Labcorp
Classification: Pathogenic. Last evaluated: 2024-08-05. Review status: criteria provided, single submitter. Criteria: Invitae Variant Classification Sherloc (09022015). Collection method: clinical testing. Allele origin: germline.
Comment: This sequence change creates a premature translational stop signal (p.Gly795Alafs*86) in the COL2A1 gene. It is expected to result in an absent or disrupted protein product. Loss-of-function variants in COL2A1 are known to be pathogenic (PMID: 20179744). This variant is not present in population databases (gnomAD no frequency). This premature translational stop signal has been observed in individuals with Stickler syndrome (PMID: 20179744). ClinVar contains an entry for this variant (Variation ID: 289322). For these reasons, this variant has been classified as Pathogenic.

GeneDx
Classification: Pathogenic. Last evaluated: 2024-03-08. Review status: criteria provided, single submitter. Criteria: GeneDx Variant Classification Process June 2021. Collection method: clinical testing. Allele origin: germline. Affected: yes.
Comment: Not observed at significant frequency in large population cohorts (gnomAD); Frameshift variant predicted to result in protein truncation or nonsense mediated decay in a gene for which loss-of-function is a known mechanism of disease; This variant is associated with the following publications: (PMID: 32427345, 20179744)

Eurofins Ntd Llc (ga)
Classification: Pathogenic. Last evaluated: 2016-08-03. Review status: criteria provided, single submitter. Criteria: EGL Classification Definitions 2015. Collection method: clinical testing. Allele origin: germline. Observed: 1 variant allele, 1 heterozygote.

Literature cited by the submitters: PubMed 20179744 (cited by OLLIN Analises Genomicas, OLLIN and Labcorp Genetics (formerly Invitae), Labcorp).